The following is an entry in ClinVar:

ClinVar aggregate classification (germline): Uncertain significance (1 of 4 stars; one submission).

Conditions:
Neuroblastoma, susceptibility to, 3. Also called: ALK-Related Neuroblastic Tumor Susceptibility. Identifiers: Orphanet 635, MedGen C2751681, MONDO:0013083, OMIM 613014.

Submission:

Labcorp Genetics (formerly Invitae), Labcorp
Classification: Uncertain significance for Neuroblastoma, susceptibility to, 3. Last evaluated: 2025-09-28. Review status: criteria provided, single submitter. Criteria: Invitae Variant Classification Sherloc (09022015). Collection method: clinical testing. Allele origin: germline.
Comment: This sequence change falls in intron 21 of the ALK gene. It does not directly change the encoded amino acid sequence of the ALK protein. It affects a nucleotide within the consensus splice site. This variant is not present in population databases (gnomAD no frequency). This variant has not been reported in the literature in individuals affected with ALK-related conditions. Variants that disrupt the consensus splice site are a relatively common cause of aberrant splicing (PMID: 17576681, 9536098). Algorithms developed to predict the effect of sequence changes on RNA splicing suggest that this variant is not likely to affect RNA splicing. In summary, the available evidence is currently insufficient to determine the role of this variant in disease. Therefore, it has been classified as a Variant of Uncertain Significance.

Literature cited by the submitters: PubMed 17576681; PubMed 9536098.

NM_004304.5(ALK):c.3450+6_3450+8del

Gene: ALK (ALK receptor tyrosine kinase; minus strand). Cytogenetic location: 2p23.2.
Variant type: Microsatellite.
Coding change: c.3450+6_3450+8del on transcript NM_004304.5 (MANE Select); bases 6 to 8 of the intron after coding-DNA position 3450, 3 bases deleted (AAG; older notation c.3450+6_3450+8delAAG).
Molecular consequence: intron variant.
Genome position (GRCh38, 1-based): chr2:29,222,509-29,222,511, CTT deleted on the plus strand (AAG on the coding strand, the reverse complement: ALK is on the minus strand); deleting any 3 consecutive bases within chr2:29,222,509-29,222,514 gives the same sequence; the c. name uses the placement nearest the transcript's 3' end. VCF-style (leftmost placement, unchanged base first): chr2-29222508-ACTT-A. GRCh37 (hg19) VCF-style: chr2-29445374-ACTT-A.
Other names: c.246+6_246+8del (NM_001353765.2).
Identifiers: ClinVar variation 1518504 (VCV001518504.6), dbSNP rs2148169076, ClinGen allele CA2580611259.